The following is an entry in ClinVar:

NM_000235.4(LIPA):c.1163A>G (p.Tyr388Cys)

Gene: LIPA (lipase A, lysosomal acid type; minus strand). Cytogenetic location: 10q23.31.
Variant type: single nucleotide variant.
Coding change: c.1163A>G on transcript NM_000235.4 (MANE Select); coding-DNA position 1163, A replaced by G.
Protein change: p.Tyr388Cys; replaces tyrosine 388 with cysteine.
Molecular consequence: missense variant.
Genome position (GRCh38, 1-based): chr10:89,214,865, T>C on the plus strand (A>G on the coding strand, the complement: LIPA is on the minus strand). VCF-style: chr10-89214865-T-C. GRCh37 (hg19) VCF-style: chr10-90974622-T-C.
Other names: c.1163A>G, p.Tyr388Cys (NM_001127605.3); c.815A>G, p.Tyr272Cys (NM_001288979.2); short protein forms Y272C, Y388C.
Identifiers: ClinVar variation 695034 (VCV000695034.2), dbSNP rs766062562, ClinGen allele CA5593497.

ClinVar aggregate classification (germline): Likely pathogenic (1 of 4 stars; one submission).

Conditions:
Lysosomal acid lipase deficiency. Also called: Acid cholesteryl ester hydrolase deficiency, type 2. Identifiers: Orphanet 275761, MedGen C5574740, MONDO:0800449, MONDO:0010204.

Allele frequency attached by ClinVar (database versions not stated): gnomAD exomes below 0.00001; TOPMed below 0.00001; ExAC 0.00001; gnomAD 0.00001.
gnomAD v4.1: 4 of 1,612,096 alleles (0.00025%); highest among the groups gnomAD compares: South Asian, 0.0011%; no homozygotes.

Submission:

Alexion, Astrazeneca Rare Disease, Astrazeneca
Classification: Likely pathogenic for Lysosomal acid lipase deficiency. Last evaluated: 2019-06-01. Review status: criteria provided, single submitter. Criteria: ACMG Guidelines, 2015. Collection method: research. Allele origin: germline.
Comment: ACMG PS3 criterion ascertained by in-vitro functional study, PMID:31180157

Literature cited by the submitters: PubMed 31180157.